The following continues an entry in ClinVar:

NM_000053.4(ATP7B):c.3007G>A (p.Ala1003Thr)

Gene: ATP7B. ClinVar aggregate classification (germline): Pathogenic. Pathogenic (17).

Submissions 15 to 20 of 20:

Women's Health and Genetics/Laboratory Corporation of America, LabCorp
Classification: Pathogenic for Wilson disease. Last evaluated: 2019-11-22. Review status: criteria provided, single submitter. Criteria: LabCorp Variant Classification Summary - May 2015. Collection method: clinical testing. Allele origin: germline.
Comment: Variant summary: ATP7B c.3007G>A (p.Ala1003Thr) results in a non-conservative amino acid change in the encoded protein sequence. Five of five in-silico tools predict a damaging effect of the variant on protein function. The variant allele was found at a frequency of 4.6e-05 in 240334 control chromosomes (gnomAD). This frequency is not higher than expected for a pathogenic variant in ATP7B causing Wilson Disease (4.6e-05 vs 0.0054). c.3007G>A has been reported in the literature in multiple homozygous- and compound heterozygous individuals affected with Wilson Disease (e.g. Ljubic_2016). These data indicate that the variant is very likely to be associated with disease. Two ClinVar submissions (evaluation after 2014) cite the variant likely pathogenic (1x) and pathogenic (1x). Based on the evidence outlined above, the variant was classified as pathogenic.

ARUP Laboratories, Molecular Genetics and Genomics, ARUP Laboratories
Classification: Pathogenic for Wilson disease. Last evaluated: 2019-10-10. Review status: criteria provided, single submitter. Criteria: ARUP Molecular Germline Variant Investigation Process. Collection method: clinical testing. Allele origin: germline.
Comment: The ATP7B c.3007G>A; p.Ala1003Thr variant (rs201497300) is reported in the literature in multiple individuals with Wilson disease (Loudianos 1998, Moller 2011, Stalke 2018, Tomic 2013, Usta 2014). It has been reported in trans to a pathogenic frameshift variant and shown to co-segregate with disease (Usta 2014). A different variant as this codon (Ala1003Val) is also reported in association with Wilson disease (Guggilla 2015, Loudianos 1999). The p.Ala1003Thr variant is reported in ClinVar (Variation ID: 188802). It is found in the Genome Aggregation Database with a low overall allele frequency of 0.005% (11/240334 alleles), indicating it is not a common polymorphism. The alanine at codon 1003 is highly conserved, and computational analyses (SIFT, PolyPhen-2) predict that this variant is deleterious. Based on available information, this variant is considered to be pathogenic. REFERENCES Guggilla SR et al. Spectrum of mutations in the ATP binding domain of ATP7B gene of Wilson Disease in a regional Indian cohort. Gene. 2015 Sep 10;569(1):83-7. Loudianos G et al. Further delineation of the molecular pathology of Wilson disease in the Mediterranean population. Hum Mutat. 1998;12(2):89-94. Loudianos G et al. Mutation analysis in patients of Mediterranean descent with Wilson disease: identification of 19 novel mutations. J Med Genet. 1999 Nov;36(11):833-6. Moller LB et al. Clinical presentation and mutations in Danish patients with Wilson disease. Eur J Hum Genet. 2011 Sep;19(9):935-41. Stalke A et al. Diagnosis of monogenic liver diseases in childhood by next-generation sequencing. Clin Genet. 2018 Mar;93(3):665-670. Tomic A et al. Mutational analysis of ATP7B gene and the genotype-phenotype correlation in patients with Wilson's disease in Serbia. Vojnosanit Pregl. 2013 May;70(5):457-62. Usta J et al. Phenotype-genotype correlation in Wilson disease in a large Lebanese family: association of c.2299insC with hepatic and of p. Ala1003Thr with neurologic phenotype. PLoS One. 2014 Nov 12;9(11):e109727.

Neuberg Centre For Genomic Medicine, NCGM
Classification: Pathogenic for Wilson disease. Review status: criteria provided, single submitter. Criteria: ACMG Guidelines, 2015. Collection method: clinical testing. Allele origin: germline. Inheritance: Autosomal recessive inheritance. Affected: yes.
Comment: The observed missense c.3007G>Ap.Ala1003Thr variant in ATP7B gene has been reported in compound heterozygote/ homozygous state in individuals in multiple individuals affected with Wilson Disease Usta J,et. al., 2014;Ljubić H, et. al., 2016; Møller LB, et. al., 2011. It has also been observed to segregate with disease in related individuals. The p.Ala1003Thr variant is present with an allele frequency 0.004% in gnomAD Exomes database. This variant has been submitted to the ClinVar database as Likely Pathogenic/ Pathogenic multiple submission. The reference amino acid in ATP7B is predicted as conserved by GERP++ and PhyloP across 100 vertebrates. The amino acid Ala at position 1003 is changed to a Thr changing protein sequence and it might alter its composition and physico-chemical properties. Functional studies are required to prove the pathogenicity for the variant, for these reasons, this variant has been classified as Pathogenic.

Centre for Mendelian Genomics, University Medical Centre Ljubljana
Classification: Likely pathogenic for Epileptic encephalopathy. Last evaluated: 2016-03-15. Review status: no assertion criteria provided. Collection method: clinical testing. Allele origin: unknown. Affected: yes. Not counted in ClinVar's aggregate classification.

Counsyl
Classification: Likely pathogenic for Wilson's disease. Last evaluated: 2014-05-23. Review status: no assertion criteria provided. Collection method: literature only. Allele origin: unknown. Inheritance: Autosomal recessive inheritance. Not counted in ClinVar's aggregate classification.

Chongqing Key Laboratory of Child Rare Diseases in Infection and Immunity, Children’s Hospital of Chongqing Medical University
Classification: Uncertain significance for Wilson disease. Last evaluated: 2024-01-01. Review status: flagged submission. Criteria: ACMG Guidelines, 2015. Collection method: clinical testing. Allele origin: germline. Inheritance: Autosomal recessive inheritance. Affected: yes. Not counted in ClinVar's aggregate classification.
Comment: Classified as Uncertain significance according to the ACMG/AMP 2015 guidelines (PMID:25741868). The classification was based on the available submitted evidence for Wilson disease (OMIM:277900), including clinical-testing observations, variant consequence/protein annotation, and published or ClinVar evidence where available. Supporting information considered: variant annotation: p.Ala1003Thr; Missense; Protein domain: P-domain-enriched; submitted notation: NM_000053.4:c.3007G>A (p.Ala1003Thr); source variant type: Missense; source domain: P-domain-enriched; allele count n=230: 1.
ClinVar note: Reason: Outlier claim with insufficient supporting evidence

Literature cited by the submitters: PubMed 26799313 (cited by 6 submitters); PubMed 25390358 (cited by 3 submitters); PubMed 2679931 (cited by Labcorp Genetics (formerly Invitae), Labcorp); PubMed 12885331 (cited by 3 submitters); PubMed 16791614 (cited by Labcorp Genetics (formerly Invitae), Labcorp); PubMed 21610751 (cited by Labcorp Genetics (formerly Invitae), Labcorp and Counsyl); PubMed 23789284 (cited by Labcorp Genetics (formerly Invitae), Labcorp and Counsyl); PubMed 9671269 (cited by All of Us Research Program, National Institutes of Health and Counsyl); PubMed 10790207 (cited by All of Us Research Program, National Institutes of Health and Counsyl); PubMed 11243728 (cited by 3 submitters); PubMed 11690702 (cited by All of Us Research Program, National Institutes of Health); PubMed 17433323 (cited by All of Us Research Program, National Institutes of Health and Laboratory for Molecular Medicine, Mass General Brigham Personalized Medicine); PubMed 24661374 (cited by All of Us Research Program, National Institutes of Health); PubMed 27022412 (cited by All of Us Research Program, National Institutes of Health); PubMed 27398169 (cited by All of Us Research Program, National Institutes of Health); PubMed 30120852 (cited by All of Us Research Program, National Institutes of Health); PubMed 23551039 (cited by Laboratory for Molecular Medicine, Mass General Brigham Personalized Medicine and Counsyl); PubMed 23518715 (cited by Laboratory for Molecular Medicine, Mass General Brigham Personalized Medicine); PubMed 16684691 (cited by Laboratory for Molecular Medicine, Mass General Brigham Personalized Medicine and Counsyl); PubMed 16207219 (cited by Counsyl); PubMed 22692182 (cited by Counsyl); PubMed 15811015 (cited by Counsyl).